The following is an entry in ClinVar:

ClinVar aggregate classification (germline): Uncertain significance (1 of 4 stars; one submission).

Submission:

Quest Diagnostics Nichols Institute San Juan Capistrano
Classification: Uncertain significance. Last evaluated: 2023-02-08. Review status: criteria provided, single submitter. Criteria: Quest Diagnostics criteria. Collection method: clinical testing. Allele origin: unknown.
Comment: This variant has not been reported in the published literature. It also has not been reported in large, multi-ethnic general populations. Analysis of this variant using bioinformatics tools for the prediction of the effect of amino acid changes on protein structure and function yielded predictions that this variant is damaging. Based on the available information, we are unable to determine the clinical significance of this variant.

NM_000535.7(PMS2):c.2567T>C (p.Leu856Pro)

Gene: PMS2 (PMS1 homolog 2, mismatch repair system component; minus strand). Cytogenetic location: 7p22.1.
Variant type: single nucleotide variant.
Coding change: c.2567T>C on transcript NM_000535.7 (MANE Select); coding-DNA position 2567, T replaced by C.
Protein change: p.Leu856Pro; replaces leucine 856 with proline.
Molecular consequence: missense variant. On other transcripts: non-coding transcript variant (1).
Genome position (GRCh38, 1-based): chr7:5,973,421, A>G on the plus strand (T>C on the coding strand, the complement: PMS2 is on the minus strand). VCF-style: chr7-5973421-A-G. GRCh37 (hg19) VCF-style: chr7-6013052-A-G.
Other names: c.2162T>C, p.Leu721Pro (NM_001018040.1, NM_001322003.2, NM_001322004.2 and 12 more transcripts); c.2411T>C, p.Leu804Pro (NM_001322006.2); c.2249T>C, p.Leu750Pro (NM_001322007.2, NM_001322008.2, NM_001406883.1); c.2195T>C, p.Leu732Pro (NM_001322009.2, NM_001406887.1, NM_001406888.1); c.2006T>C, p.Leu669Pro (NM_001322010.2, NM_001406906.1, NM_001406907.1); c.1634T>C, p.Leu545Pro (NM_001322011.2, NM_001322012.2); c.1994T>C, p.Leu665Pro (NM_001322013.2, NM_001406908.1, NM_001406909.1); c.2600T>C, p.Leu867Pro (NM_001322014.2); and 20 more; short protein forms L455P, L545P, L599P, L617P, L665P, L669P, L685P, L694P.
Identifiers: ClinVar variation 2682045 (VCV002682045.1), dbSNP rs587782342, ClinGen allele CA366734755.